The following is an entry in ClinVar:

GRCh37/hg19 7q36.3(chr7:155576627-155607157)x1

Gene: SHH (sonic hedgehog signaling molecule; minus strand). Cytogenetic location: 7q36.3.
Variant type: copy number loss.
Change: copy number 1 (one copy instead of two) of chr7:155,576,627-155,607,157 (30.5 kb, GRCh37 coordinates, 1-based), cytogenetic band 7q36.3.
Identifiers: ClinVar variation 1807779 (VCV001807779.1).

ClinVar aggregate classification (germline): Pathogenic (1 of 4 stars; one submission).

Submission:

Quest Diagnostics Nichols Institute San Juan Capistrano
Classification: Pathogenic. Last evaluated: 2021-10-12. Review status: criteria provided, single submitter. Criteria: ACMG/ClinGen CNV Guidelines, 2019. Collection method: clinical testing. Allele origin: unknown.
Comment: The copy number loss of 7q36.3 involves the entire SHH gene (OMIM 600725) and is expected to cause phenotypic and/or developmental abnormalities. Haploinsufficiency of SHH due to deletions and loss-of-function sequence variants is associated with holoprosencephaly (HPE3; OMIM 142945), a very common malformation of forebrain development characterized by incomplete separation of the two cerebral hemispheres. HPE can be further subdivided based on the severity of the phenotype: alobar HPE (most severe), semilobar HPE, lobar HPE, and middle interhemispheric variant (less severe). Craniofacial dysmorphism occurs in the vast majority of HPE patients and can range from cyclopia, proboscis and cleft lip/palate in the severe form, to a single central maxillary incisor (OMIM 147250), ocular hypotelorism, and nasal abnormalities in the mild forms. Of note, there is significant intrafamilial variability and incomplete penetrance associated with SHH pathogenic variants (Monteagudo 2020; GeneReviews). References: Monteagudo et al., Am J Obstet Gynecol. 2020 Dec;223(6):B13-B16. PMID: 33168217. Schimmenti et al., Am J Med Genet A. 2003 Jan 30;116A(3):215-21. PMID: 12503095.